The following is an entry in ClinVar:

NM_017563.5(IL17RD):c.807A>G (p.Ile269Met)

Gene: IL17RD (interleukin 17 receptor D; minus strand). Cytogenetic location: 3p14.3.
Variant type: single nucleotide variant.
Coding change: c.807A>G on transcript NM_017563.5 (MANE Select); coding-DNA position 807, A replaced by G.
Protein change: p.Ile269Met; replaces isoleucine 269 with methionine.
Molecular consequence: missense variant.
Genome position (GRCh38, 1-based): chr3:57,104,348, T>C on the plus strand (A>G on the coding strand, the complement: IL17RD is on the minus strand). VCF-style: chr3-57104348-T-C. GRCh37 (hg19) VCF-style: chr3-57138376-T-C.
Other names: c.807A>G, p.Ile269Met (NM_001080973.1); c.375A>G, p.Ile125Met (NM_001318864.2); short protein forms I125M, I269M.
Identifiers: ClinVar variation 3233566 (VCV003233566.3), dbSNP rs980558523, ClinGen allele CA74990678.

ClinVar aggregate classification (germline): Uncertain significance. Review status: criteria provided, multiple submitters, no conflicts (2 of 4 stars). 2 submissions from 2 submitters: Uncertain significance (2). Last evaluated 2025-10-22.

Allele frequency attached by ClinVar (database versions not stated): gnomAD exomes below 0.00001; gnomAD 0.00001; TOPMed 0.00002.
gnomAD v4.1: 13 of 1,604,866 alleles (0.00081%); highest among the groups gnomAD compares: East Asian, 0.0067%; no homozygotes.

Submissions (2):

Labcorp Genetics (formerly Invitae), Labcorp
Classification: Uncertain significance. Last evaluated: 2025-10-22. Review status: criteria provided, single submitter. Criteria: Invitae Variant Classification Sherloc (09022015). Collection method: clinical testing. Allele origin: germline.
Comment: This sequence change replaces isoleucine, which is neutral and non-polar, with methionine, which is neutral and non-polar, at codon 269 of the IL17RD protein (p.Ile269Met). This variant is not present in population databases (gnomAD no frequency). This variant has not been reported in the literature in individuals affected with IL17RD-related conditions. ClinVar contains an entry for this variant (Variation ID: 3233566). Invitae Evidence Modeling of protein sequence and biophysical properties (such as structural, functional, and spatial information, amino acid conservation, physicochemical variation, residue mobility, and thermodynamic stability) indicates that this missense variant is not expected to disrupt IL17RD protein function with a negative predictive value of 80%. In summary, the available evidence is currently insufficient to determine the role of this variant in disease. Therefore, it has been classified as a Variant of Uncertain Significance.

Women's Health and Genetics/Laboratory Corporation of America, LabCorp
Classification: Uncertain significance. Last evaluated: 2024-03-08. Review status: criteria provided, single submitter. Criteria: LabCorp Variant Classification Summary - May 2015. Collection method: clinical testing. Allele origin: germline.
Comment: Variant summary: IL17RD c.807A>G (p.Ile269Met) results in a conservative amino acid change in the encoded protein sequence. Four of five in-silico tools predict a benign effect of the variant on protein function. The frequency data for this variant in gnomAD is considered unreliable, as metrics indicate poor data quality at this position. To our knowledge, no occurrence of c.807A>G in individuals affected with Hypogonadotropic Hypogonadism 18 With Or Without Anosmia and no experimental evidence demonstrating its impact on protein function have been reported. No submitters have cited clinical-significance assessments for this variant to ClinVar. Based on the evidence outlined above, the variant was classified as uncertain significance.